The following is an entry in ClinVar:

NM_001291303.3(FAT4):c.14692C>T (p.Arg4898Cys)

Gene: FAT4 (FAT atypical cadherin 4; plus strand). Cytogenetic location: 4q28.1.
Variant type: single nucleotide variant.
Coding change: c.14692C>T on transcript NM_001291303.3 (MANE Select); coding-DNA position 14692, C replaced by T.
Protein change: p.Arg4898Cys; replaces arginine 4898 with cysteine.
Molecular consequence: missense variant.
Genome position (GRCh38, 1-based): chr4:125,491,508, C>T. VCF-style: chr4-125491508-C-T. GRCh37 (hg19) VCF-style: chr4-126412663-C-T.
Other names: c.14689C>T, p.Arg4897Cys (NM_001291285.3); c.14686C>T, p.Arg4896Cys (NM_024582.6); short protein forms R4896C, R4898C, R4897C.
Identifiers: ClinVar variation 2871012 (VCV002871012.2), dbSNP rs749083638, ClinGen allele CA3074608.

ClinVar aggregate classification (germline): Uncertain significance (1 of 4 stars; one submission).

Allele frequency attached by ClinVar (database versions not stated): TOPMed 0.00002; ExAC 0.00002; gnomAD 0.00001.
gnomAD v4.1: 9 of 1,613,988 alleles (0.00056%); highest among the groups gnomAD compares: Non-Finnish European, 0.00076%; no homozygotes.

Submission:

Labcorp Genetics (formerly Invitae), Labcorp
Classification: Uncertain significance. Last evaluated: 2025-03-10. Review status: criteria provided, single submitter. Criteria: Invitae Variant Classification Sherloc (09022015). Collection method: clinical testing. Allele origin: germline.
Comment: This sequence change replaces arginine, which is basic and polar, with cysteine, which is neutral and slightly polar, at codon 4896 of the FAT4 protein (p.Arg4896Cys). This variant is present in population databases (rs749083638, gnomAD 0.003%). This variant has not been reported in the literature in individuals affected with FAT4-related conditions. ClinVar contains an entry for this variant (Variation ID: 2871012). Invitae Evidence Modeling of protein sequence and biophysical properties (such as structural, functional, and spatial information, amino acid conservation, physicochemical variation, residue mobility, and thermodynamic stability) indicates that this missense variant is not expected to disrupt FAT4 protein function with a negative predictive value of 95%. In summary, the available evidence is currently insufficient to determine the role of this variant in disease. Therefore, it has been classified as a Variant of Uncertain Significance.